The following is an entry in ClinVar:

ClinVar aggregate classification (germline): Uncertain significance (1 of 4 stars; one submission).

Conditions:
Intellectual developmental disorder, autosomal dominant 47. Also called: Intellectual disability, autosomal dominant 47; MENTAL RETARDATION, AUTOSOMAL DOMINANT 47. Identifiers: Orphanet 502434, MedGen C4539951, MONDO:0030912, OMIM 617635.

Submission:

Baylor Genetics
Classification: Uncertain significance for Intellectual developmental disorder, autosomal dominant 47. Last evaluated: 2019-02-01. Review status: criteria provided, single submitter. Criteria: ACMG Guidelines, 2015. Collection method: clinical testing. Allele origin: unknown. Affected: yes.
Comment: This variant was determined to be of uncertain significance according to ACMG Guidelines, 2015 [PMID:25741868].

NM_005862.3(STAG1):c.2285T>C (p.Leu762Ser)

Gene: STAG1 (STAG1 cohesin complex component; minus strand). Cytogenetic location: 3q22.3.
Variant type: single nucleotide variant.
Coding change: c.2285T>C on transcript NM_005862.3 (MANE Select); coding-DNA position 2285, T replaced by C.
Protein change: p.Leu762Ser; replaces leucine 762 with serine.
Molecular consequence: missense variant.
Genome position (GRCh38, 1-based): chr3:136,377,745, A>G on the plus strand (T>C on the coding strand, the complement: STAG1 is on the minus strand). VCF-style: chr3-136377745-A-G. GRCh37 (hg19) VCF-style: chr3-136096587-A-G.
Other names: short protein forms L762S.
Identifiers: ClinVar variation 1028433 (VCV001028433.1), dbSNP rs1937685841, ClinGen allele CA354649082.